The following is an entry in ClinVar:

ClinVar aggregate classification (germline): Likely benign (1 of 4 stars; one submission).

Submission:

CeGaT Center for Human Genetics Tuebingen
Classification: Likely benign. Last evaluated: 2025-05-01. Review status: criteria provided, single submitter. Criteria: CeGaT Center For Human Genetics Tuebingen Variant Classification Criteria Version 2. Collection method: clinical testing. Allele origin: germline. Affected: yes. Observed: 1 variant allele.
Comment: VAMP2: BP4, BS1

NM_014232.3(VAMP2):c.-4del

Gene: VAMP2 (vesicle associated membrane protein 2; minus strand). Cytogenetic location: 17p13.1.
Variant type: Deletion.
Coding change: c.-4del on transcript NM_014232.3 (MANE Select); 4 bases upstream of the start codon, one base deleted (C; older notation c.-4delC).
Molecular consequence: 5 prime UTR variant.
Genome position (GRCh38, 1-based): chr17:8,162,883, G deleted on the plus strand (C on the coding strand, the reverse complement: VAMP2 is on the minus strand); the first of 5 consecutive G bases (chr17:8,162,883-8,162,887); deleting any one gives the same sequence. VCF-style (leftmost placement, unchanged base first): chr17-8162882-CG-C. GRCh37 (hg19) VCF-style: chr17-8066200-CG-C.
Identifiers: ClinVar variation 3905155 (VCV003905155.10).